The following is an entry in ClinVar:

NM_000260.4(MYO7A):c.6355C>T (p.Gln2119Ter)

Gene: MYO7A (myosin VIIA; plus strand). Cytogenetic location: 11q13.5.
Variant type: single nucleotide variant.
Coding change: c.6355C>T on transcript NM_000260.4 (MANE Select); coding-DNA position 6355, C replaced by T.
Protein change: p.Gln2119Ter; replaces glutamine 2119 with a stop codon.
Molecular consequence: nonsense.
Genome position (GRCh38, 1-based): chr11:77,212,952, C>T. VCF-style: chr11-77212952-C-T. GRCh37 (hg19) VCF-style: chr11-76923997-C-T.
Other names: c.6235C>T, p.Gln2079Ter (NM_001127180.2); c.6208C>T, p.Gln2070Ter (NM_001369365.1); short protein forms Q2070*, Q2079*, Q2119*.
Identifiers: ClinVar variation 1725928 (VCV001725928.2), dbSNP rs1957972101, ClinGen allele CA381937457.

ClinVar aggregate classification (germline): Likely pathogenic (1 of 4 stars; one submission).

Conditions:
Usher syndrome type 1 (USH1). Also called: RETINITIS PIGMENTOSA AND CONGENITAL DEAFNESS. Identifiers: Orphanet 231169, Orphanet 886, MedGen C1568247, MONDO:0010168, OMIM 276900.

Submission:

Myriad Genetics, Inc.
Classification: Likely pathogenic for Usher syndrome type 1. Last evaluated: 2021-12-08. Review status: criteria provided, single submitter. Criteria: Myriad Women's Health Autosomal Recessive and X-Linked Classification Criteria (2021). Collection method: clinical testing. Allele origin: unknown.
Comment: NM_000260.3(MYO7A):c.6355C>T(Q2119*) is expected to be pathogenic in the context of MYO7A-related disorders. This variant is predicted to lead to an abnormal or absent protein product due to the creation of a premature termination codon in MYO7A, a gene where loss-of-function variants are known to be pathogenic. Please note: this variant was assessed in the context of healthy population screening.